The following is an entry in ClinVar:

NM_012203.2(GRHPR):c.859A>C (p.Asn287His)

Gene: GRHPR (glyoxylate and hydroxypyruvate reductase; plus strand). Cytogenetic location: 9p13.2.
Variant type: single nucleotide variant.
Coding change: c.859A>C on transcript NM_012203.2 (MANE Select); coding-DNA position 859, A replaced by C.
Protein change: p.Asn287His; replaces asparagine 287 with histidine.
Molecular consequence: missense variant.
Genome position (GRCh38, 1-based): chr9:37,432,132, A>C. VCF-style: chr9-37432132-A-C. GRCh37 (hg19) VCF-style: chr9-37432129-A-C.
Other names: short protein forms N287H.
Identifiers: ClinVar variation 2562905 (VCV002562905.2), dbSNP rs1564302375, ClinGen allele CA373444601.

ClinVar aggregate classification (germline): Uncertain significance (1 of 4 stars; one submission).

Conditions:
Nephrolithiasis/nephrocalcinosis. Identifiers: MedGen CN580796.

Allele frequency attached by ClinVar (database versions not stated): gnomAD exomes 0.00001.
gnomAD v4.1: 12 of 1,613,930 alleles (0.00074%); highest among the groups gnomAD compares: Non-Finnish European, 0.001%; no homozygotes.

Submission:

Ambry Genetics
Classification: Uncertain significance for Nephrolithiasis/nephrocalcinosis. Last evaluated: 2023-06-05. Review status: criteria provided, single submitter. Criteria: Ambry Variant Classification Scheme 2023. Collection method: clinical testing. Allele origin: germline.
Comment: The p.N287H variant (also known as c.859A>C), located in coding exon 8 of the GRHPR gene, results from an A to C substitution at nucleotide position 859. The asparagine at codon 287 is replaced by histidine, an amino acid with similar properties. This amino acid position is conserved. In addition, the in silico prediction for this alteration is inconclusive. Since supporting evidence is limited at this time, the clinical significance of this alteration remains unclear.